The following is an entry in ClinVar:

ClinVar aggregate classification (germline): Uncertain significance (1 of 4 stars; one submission).

Conditions:
EGFR-related lung cancer (EGFR). Identifiers: MedGen CN130014.

Submission:

Labcorp Genetics (formerly Invitae), Labcorp
Classification: Uncertain significance for EGFR-related lung cancer. Last evaluated: 2023-09-25. Review status: criteria provided, single submitter. Criteria: Invitae Variant Classification Sherloc (09022015). Collection method: clinical testing. Allele origin: germline.
Comment: This sequence change replaces cysteine, which is neutral and slightly polar, with tyrosine, which is neutral and polar, at codon 236 of the EGFR protein (p.Cys236Tyr). This variant is not present in population databases (gnomAD no frequency). This variant has not been reported in the literature in individuals affected with EGFR-related conditions. Advanced modeling of protein sequence and biophysical properties (such as structural, functional, and spatial information, amino acid conservation, physicochemical variation, residue mobility, and thermodynamic stability) performed at Invitae indicates that this missense variant is expected to disrupt EGFR protein function. In summary, the available evidence is currently insufficient to determine the role of this variant in disease. Therefore, it has been classified as a Variant of Uncertain Significance.

NM_005228.5(EGFR):c.707G>A (p.Cys236Tyr)

Gene: EGFR (epidermal growth factor receptor; plus strand). Cytogenetic location: 7p11.2.
Variant type: single nucleotide variant.
Coding change: c.707G>A on transcript NM_005228.5 (MANE Select); coding-DNA position 707, G replaced by A.
Protein change: p.Cys236Tyr; replaces cysteine 236 with tyrosine.
Molecular consequence: missense variant. On other transcripts: intron variant (1).
Genome position (GRCh38, 1-based): chr7:55,152,624, G>A. VCF-style: chr7-55152624-G-A. GRCh37 (hg19) VCF-style: chr7-55220317-G-A.
Other names: c.572G>A, p.Cys191Tyr (NM_001346897.2, NM_001346899.2); c.707G>A, p.Cys236Tyr (NM_001346898.2, NM_201282.2, NM_201283.2 and 1 more transcripts); c.548G>A, p.Cys183Tyr (NM_001346900.2); c.89-3206G>A (NM_001346941.2); short protein forms C236Y, C183Y, C191Y.
Identifiers: ClinVar variation 3011604 (VCV003011604.3), dbSNP rs2128933817, ClinGen allele CA367577488.